The following is an entry in ClinVar:

ClinVar aggregate classification (germline): Uncertain significance (1 of 4 stars; one submission).

Conditions:
Long QT syndrome (LQTS). Identifiers: MedGen C0023976, MeSH D008133, MONDO:0002442. Disease mechanism: loss of function. Inheritance: Various modes of inheritance.

Allele frequency attached by ClinVar (database versions not stated): TOPMed below 0.00001; ESP Exome Variant Server 0.00008.

Submission:

Labcorp Genetics (formerly Invitae), Labcorp
Classification: Uncertain significance for Long QT syndrome. Last evaluated: 2023-05-23. Review status: criteria provided, single submitter. Criteria: Invitae Variant Classification Sherloc (09022015). Collection method: clinical testing. Allele origin: germline.
Comment: In summary, the available evidence is currently insufficient to determine the role of this variant in disease. Therefore, it has been classified as a Variant of Uncertain Significance. An algorithm developed to predict the effect of missense changes on protein structure and function (PolyPhen-2) suggests that this variant is likely to be disruptive. ClinVar contains an entry for this variant (Variation ID: 1907218). This variant has not been reported in the literature in individuals affected with KCNH2-related conditions. This variant is not present in population databases (gnomAD no frequency). This sequence change replaces isoleucine, which is neutral and non-polar, with valine, which is neutral and non-polar, at codon 458 of the KCNH2 protein (p.Ile458Val).

NM_000238.4(KCNH2):c.1372A>G (p.Ile458Val)

Gene: KCNH2 (potassium voltage-gated channel subfamily H member 2; minus strand). Cytogenetic location: 7q36.1.
Variant type: single nucleotide variant.
Coding change: c.1372A>G on transcript NM_000238.4 (MANE Select); coding-DNA position 1372, A replaced by G.
Protein change: p.Ile458Val; replaces isoleucine 458 with valine.
Molecular consequence: missense variant.
Genome position (GRCh38, 1-based): chr7:150,952,610, T>C on the plus strand (A>G on the coding strand, the complement: KCNH2 is on the minus strand). VCF-style: chr7-150952610-T-C. GRCh37 (hg19) VCF-style: chr7-150649698-T-C.
Other names: c.352A>G, p.Ile118Val (NM_001204798.2, NM_172057.3); c.1084A>G, p.Ile362Val (NM_001406753.1, NM_001406756.1); c.1195A>G, p.Ile399Val (NM_001406755.1); c.1072A>G, p.Ile358Val (NM_001406757.1); c.1372A>G, p.Ile458Val (NM_172056.3); short protein forms I118V, I358V, I362V, I399V, I458V.
Identifiers: ClinVar variation 1907218 (VCV001907218.3), dbSNP rs374303744, ClinGen allele CA169077516.